The following is an entry in ClinVar:

NM_012434.5(SLC17A5):c.527G>T (p.Gly176Val)

Gene: SLC17A5 (solute carrier family 17 member 5; minus strand). Cytogenetic location: 6q13.
Variant type: single nucleotide variant.
Coding change: c.527G>T on transcript NM_012434.5 (MANE Select); coding-DNA position 527, G replaced by T.
Protein change: p.Gly176Val; replaces glycine 176 with valine.
Molecular consequence: missense variant.
Genome position (GRCh38, 1-based): chr6:73,638,498, C>A on the plus strand (G>T on the coding strand, the complement: SLC17A5 is on the minus strand). VCF-style: chr6-73638498-C-A. GRCh37 (hg19) VCF-style: chr6-74348221-C-A.
Other names: p.Gly176Val; c.296G>T, p.Gly99Val (NM_001382629.1, NM_001382636.1); c.527G>T, p.Gly176Val (NM_001382630.1, NM_001382632.1, NM_001382633.1 and 2 more transcripts); c.548G>T, p.Gly183Val (NM_001382631.1); short protein forms G176V, G183V, G99V.
Identifiers: ClinVar variation 2444861 (VCV002444861.1), dbSNP rs2533500576, ClinGen allele CA364716946.

ClinVar aggregate classification (germline): Likely pathogenic (1 of 4 stars; one submission).

Conditions:
Sialic acid storage disease, severe infantile type (ISSD). Also called: N-ACETYLNEURAMINIC ACID STORAGE DISEASE; NANA STORAGE DISEASE; Infantile Sialic Acid Storage Disease; SIALURIA, INFANTILE FORM; INFANTILE SIALIC ACID STORAGE DISORDER; Free sialic acid storage disease, infantile form. Identifiers: Orphanet 309324, Orphanet 834, MedGen C1096902, MONDO:0010027, OMIM 269920.

Allele frequency attached by ClinVar (database versions not stated): gnomAD exomes below 0.00001.
gnomAD v4.1: 1 of 1,611,382 alleles (0.000062%); highest among the groups gnomAD compares: African/African-American, 0.0013%; no homozygotes.

Submission:

Foundation for Research in Genetics and Endocrinology, FRIGE's Institute of Human Genetics
Classification: Likely pathogenic for Sialic acid storage disease, severe infantile type. Last evaluated: 2021-02-19. Review status: criteria provided, single submitter. Criteria: ACMG Guidelines, 2015. Collection method: clinical testing. Allele origin: germline. Inheritance: Autosomal recessive inheritance. Affected: yes. Observed: 1 homozygote.
Comment: A homozygous missense variation in exon 4 of the SLC17A5 gene that results in the amino acid substitution of Valine for Glycine at codon 176 was detected. The observed variant c.527G>T (p.Gly176Val) has not been reported in the 1000 genomes databases. The in silico prediction of the variant are possibly damaging by PolyPhen-2 (HumDiv) and damaging by LRT. The reference codon is conserved across species. In summary, the variant meets our criteria to be classified as likely pathogenic.